The following is an entry in ClinVar:

ClinVar aggregate classification (germline): Uncertain significance (1 of 4 stars; one submission).

Conditions:
Primary ciliary dyskinesia. Also called: Ciliary dyskinesia. Identifiers: Orphanet 244, MedGen C0008780, MONDO:0016575, HP:0012265.

Submission:

Labcorp Genetics (formerly Invitae), Labcorp
Classification: Uncertain significance for Primary ciliary dyskinesia. Last evaluated: 2022-08-10. Review status: criteria provided, single submitter. Criteria: Invitae Variant Classification Sherloc (09022015). Collection method: clinical testing. Allele origin: germline.
Comment: In summary, the available evidence is currently insufficient to determine the role of this variant in disease. Therefore, it has been classified as a Variant of Uncertain Significance. Advanced modeling of protein sequence and biophysical properties (such as structural, functional, and spatial information, amino acid conservation, physicochemical variation, residue mobility, and thermodynamic stability) performed at Invitae indicates that this missense variant is not expected to disrupt DNAH11 protein function. ClinVar contains an entry for this variant (Variation ID: 1467538). This variant has not been reported in the literature in individuals affected with DNAH11-related conditions. This variant is not present in population databases (gnomAD no frequency). This sequence change replaces glutamine, which is neutral and polar, with leucine, which is neutral and non-polar, at codon 839 of the DNAH11 protein (p.Gln839Leu).

NM_001277115.2(DNAH11):c.2516A>T (p.Gln839Leu)

Gene: DNAH11 (dynein axonemal heavy chain 11; plus strand). Cytogenetic location: 7p15.3.
Variant type: single nucleotide variant.
Coding change: c.2516A>T on transcript NM_001277115.2 (MANE Select); coding-DNA position 2516, A replaced by T.
Protein change: p.Gln839Leu; replaces glutamine 839 with leucine.
Molecular consequence: missense variant.
Genome position (GRCh38, 1-based): chr7:21,591,426, A>T. VCF-style: chr7-21591426-A-T. GRCh37 (hg19) VCF-style: chr7-21631044-A-T.
Other names: short protein forms Q839L.
Identifiers: ClinVar variation 1467538 (VCV001467538.4), dbSNP rs2128443723, ClinGen allele CA366942873.